The following is an entry in ClinVar:

ClinVar aggregate classification (germline): Likely benign. Review status: criteria provided, multiple submitters, no conflicts (2 of 4 stars). 3 submissions from 3 submitters: Likely benign (3). Last evaluated 2023-12-21.

Conditions:
Hypertrophic cardiomyopathy 11. Also called: ACTC1-Related Familial Hypertrophic Cardiomyopathy. Identifiers: MedGen C2677506, MONDO:0012799, OMIM 612098.
Dilated cardiomyopathy 1R (CMD1R). Identifiers: Orphanet 154, Orphanet 54260, MedGen C3150681, MONDO:0013261, OMIM 613424.
Atrial septal defect 5 (ASD5). Identifiers: Orphanet 1478, MedGen C2748552, MONDO:0013011, OMIM 612794.
Cardiomyopathy (CMYO). Also called: Cardiomyopathies. Identifiers: Orphanet 167848, MedGen C0878544, MONDO:0004994, HP:0001638. Inheritance: Various modes of inheritance.
Hypertrophic cardiomyopathy. Also called: HYPERTROPHIC MYOCARDIOPATHY. Identifiers: Orphanet 217569, MedGen C0007194, MeSH D002312, MONDO:0005045, HP:0001639.

Allele frequency attached by ClinVar (database versions not stated): gnomAD 0.00001; TOPMed 0.00001.

Submissions (3):

Labcorp Genetics (formerly Invitae), Labcorp
Classification: Likely benign for Dilated cardiomyopathy 1R; Hypertrophic cardiomyopathy 11; Atrial septal defect 5. Last evaluated: 2023-12-21. Review status: criteria provided, single submitter. Criteria: Invitae Variant Classification Sherloc (09022015). Collection method: clinical testing. Allele origin: germline.

All of Us Research Program, National Institutes of Health
Classification: Likely benign for Hypertrophic cardiomyopathy. Last evaluated: 2023-10-30. Review status: criteria provided, single submitter. Criteria: ACMG Guidelines, 2015. Collection method: clinical testing. Allele origin: germline. Inheritance: Autosomal dominant inheritance. Observed: 1 variant allele, 1 heterozygote.
Comment: This study involves interpretation of variants in research participants for the purpose of population health screening. Participant phenotype was not available at the time of variant classification. Additional details can be found in publication PMID: 35346344, PMCID: PMC8962531

Color Diagnostics, LLC DBA Color Health
Classification: Likely benign for Cardiomyopathy. Last evaluated: 2020-06-29. Review status: criteria provided, single submitter. Criteria: ACMG Guidelines, 2015. Collection method: clinical testing. Allele origin: germline.

NM_005159.5(ACTC1):c.1044G>A (p.Leu348=)

Genes: GJD2-DT (GJD2 divergent transcript; plus strand), ACTC1 (actin alpha cardiac muscle 1; minus strand). Cytogenetic location: 15q14.
Variant type: single nucleotide variant.
Coding change: c.1044G>A on transcript NM_005159.5 (MANE Select); coding-DNA position 1044, G replaced by A.
Protein change: p.Leu348=; no amino-acid change (leucine 348 retained).
Molecular consequence: synonymous variant.
Genome position (GRCh38, 1-based): chr15:34,790,502, C>T on the plus strand (G>A on the coding strand, the complement: ACTC1 is on the minus strand). VCF-style: chr15-34790502-C-T. GRCh37 (hg19) VCF-style: chr15-35082703-C-T.
Identifiers: ClinVar variation 1171045 (VCV001171045.6), dbSNP rs1461497941, ClinGen allele CA489417893.